The following is an entry in ClinVar:

NM_145331.3(MAP3K7):c.932A>T (p.Asn311Ile)

Gene: MAP3K7 (mitogen-activated protein kinase kinase kinase 7; minus strand). Cytogenetic location: 6q15.
Variant type: single nucleotide variant.
Coding change: c.932A>T on transcript NM_145331.3 (MANE Select); coding-DNA position 932, A replaced by T.
Protein change: p.Asn311Ile; replaces asparagine 311 with isoleucine.
Molecular consequence: missense variant.
Genome position (GRCh38, 1-based): chr6:90,550,485, T>A on the plus strand (A>T on the coding strand, the complement: MAP3K7 is on the minus strand). VCF-style: chr6-90550485-T-A. GRCh37 (hg19) VCF-style: chr6-91260204-T-A.
Other names: c.932A>T, p.Asn311Ile (NM_003188.4, NM_145332.3, NM_145333.3); short protein forms N311I.
Identifiers: ClinVar variation 4698820 (VCV004698820.1).

ClinVar aggregate classification (germline): Uncertain significance (1 of 4 stars; one submission).

gnomAD v4.1: 1 of 1,610,150 alleles (0.000062%); highest among the groups gnomAD compares: Non-Finnish European, 0.000085%; no homozygotes.

Submission:

Labcorp Genetics (formerly Invitae), Labcorp
Classification: Uncertain significance. Last evaluated: 2025-04-02. Review status: criteria provided, single submitter. Criteria: Invitae Variant Classification Sherloc (09022015). Collection method: clinical testing. Allele origin: germline.
Comment: This sequence change replaces asparagine, which is neutral and polar, with isoleucine, which is neutral and non-polar, at codon 311 of the MAP3K7 protein (p.Asn311Ile). This variant is not present in population databases (gnomAD no frequency). This variant has not been reported in the literature in individuals affected with MAP3K7-related conditions. An algorithm developed to predict the effect of missense changes on protein structure and function (PolyPhen-2) suggests that this variant is likely to be tolerated. In summary, the available evidence is currently insufficient to determine the role of this variant in disease. Therefore, it has been classified as a Variant of Uncertain Significance.